The following is an entry in ClinVar:

ClinVar aggregate classification (germline): Pathogenic (1 of 4 stars; one submission).

Conditions:
Hereditary breast ovarian cancer syndrome. Also called: Hereditary breast and ovarian cancer syndrome (HBOC); Breast and ovarian cancer; Hereditary breast and/or ovarian cancer syndrome; Hereditary breast and ovarian cancer; BRCA1- and BRCA2-Associated Hereditary Breast and Ovarian Cancer; Hereditary breast and ovarian cancer syndrome. Identifiers: Orphanet 145, MedGen C0677776, MeSH D061325, MONDO:0003582. Disease mechanism: loss of function.

Submission:

Labcorp Genetics (formerly Invitae), Labcorp
Classification: Pathogenic for Hereditary breast ovarian cancer syndrome. Last evaluated: 2022-10-12. Review status: criteria provided, single submitter. Criteria: Invitae Variant Classification Sherloc (09022015). Collection method: clinical testing. Allele origin: germline.
Comment: This variant is a gross deletion of the genomic region encompassing exon(s) 12 of the BRCA1 gene. This deletion is out-of-frame, and is expected to create a premature termination codon and result in an absent or disrupted protein product. Loss-of-function variants in BRCA1 are known to be pathogenic (PMID: 20104584). A similar copy number variant has been observed in individual(s) with a personal and/or family history of breast and/or ovarian cancer (PMID: 9354803, 11463009, 15846789, 18431737, 24285858). It is commonly reported in individuals of Dutch ancestry (PMID: 9354803, 18431737, 24285858). For these reasons, this variant has been classified as Pathogenic.

Literature cited by the submitters: PubMed 20104584; PubMed 9354803; PubMed 11463009; PubMed 15846789; PubMed 18431737; PubMed 24285858.

NC_000017.10:g.(?_41234401)_(41236614_?)del

Gene: BRCA1 (BRCA1 DNA repair associated; minus strand). Cytogenetic location: 17q21.31.
Variant type: Deletion.
Identifiers: ClinVar variation 2425729 (VCV002425729.6).